The following is an entry in ClinVar:

NM_001174096.2(ZEB1):c.1091G>C (p.Gly364Ala)

Gene: ZEB1 (zinc finger E-box binding homeobox 1; plus strand). Cytogenetic location: 10p11.22.
Variant type: single nucleotide variant.
Coding change: c.1091G>C on transcript NM_001174096.2 (MANE Select); coding-DNA position 1091, G replaced by C.
Protein change: p.Gly364Ala; replaces glycine 364 with alanine.
Molecular consequence: missense variant.
Genome position (GRCh38, 1-based): chr10:31,520,423, G>C. VCF-style: chr10-31520423-G-C. GRCh37 (hg19) VCF-style: chr10-31809351-G-C.
Other names: c.1028G>C, p.Gly343Ala (NM_001174093.2); c.1037G>C, p.Gly346Ala (NM_001174094.2); c.887G>C, p.Gly296Ala (NM_001174095.2); c.434G>C, p.Gly145Ala (NM_001323638.2, NM_001323641.2, NM_001323642.2 and 27 more transcripts); c.815G>C, p.Gly272Ala (NM_001323678.2); c.1088G>C, p.Gly363Ala (NM_030751.6); c.1040G>C, p.Gly347Ala (NM_001128128.3); c.866G>C, p.Gly289Ala (NM_001323674.2); and 3 more; short protein forms G347A, G349A, G364A, G272A, G275A, G289A, G350A, G145A.
Identifiers: ClinVar variation 3715464 (VCV003715464.2).

ClinVar aggregate classification (germline): Uncertain significance (1 of 4 stars; one submission).

gnomAD v4.1: 2 of 1,613,968 alleles (0.00012%); highest among the groups gnomAD compares: Non-Finnish European, 0.00017%; no homozygotes.

Submission:

Labcorp Genetics (formerly Invitae), Labcorp
Classification: Uncertain significance. Last evaluated: 2024-06-29. Review status: criteria provided, single submitter. Criteria: Invitae Variant Classification Sherloc (09022015). Collection method: clinical testing. Allele origin: germline.
Comment: This sequence change replaces glycine, which is neutral and non-polar, with alanine, which is neutral and non-polar, at codon 363 of the ZEB1 protein (p.Gly363Ala). This variant is not present in population databases (gnomAD no frequency). This variant has not been reported in the literature in individuals affected with ZEB1-related conditions. Advanced modeling of protein sequence and biophysical properties (such as structural, functional, and spatial information, amino acid conservation, physicochemical variation, residue mobility, and thermodynamic stability) performed at Invitae indicates that this missense variant is not expected to disrupt ZEB1 protein function with a negative predictive value of 80%. In summary, the available evidence is currently insufficient to determine the role of this variant in disease. Therefore, it has been classified as a Variant of Uncertain Significance.